The following is an entry in ClinVar:

NM_000038.6(APC):c.5952T>C (p.Asn1984=)

Gene: APC (APC regulator of Wnt signaling pathway; plus strand). Cytogenetic location: 5q22.2.
Variant type: single nucleotide variant.
Coding change: c.5952T>C on transcript NM_000038.6 (MANE Select); coding-DNA position 5952, T replaced by C.
Protein change: p.Asn1984=; no amino-acid change (asparagine 1984 retained).
Molecular consequence: synonymous variant.
Genome position (GRCh38, 1-based): chr5:112,841,546, T>C. VCF-style: chr5-112841546-T-C. GRCh37 (hg19) VCF-style: chr5-112177243-T-C.
Other names: c.5952T>C, p.Asn1984= (NM_001127510.3, NM_001354895.2); c.5898T>C, p.Asn1966= (NM_001127511.3); c.6006T>C, p.Asn2002= (NM_001354896.2); c.5982T>C, p.Asn1994= (NM_001354897.2); c.5877T>C, p.Asn1959= (NM_001354898.2); c.5868T>C, p.Asn1956= (NM_001354899.2); c.5829T>C, p.Asn1943= (NM_001354900.2); c.5775T>C, p.Asn1925= (NM_001354901.2); and 5 more.
Identifiers: ClinVar variation 383375 (VCV000383375.43), dbSNP rs142019870, ClinGen allele CA043473.

ClinVar aggregate classification (germline): Conflicting classifications of pathogenicity. Review status: criteria provided, conflicting classifications (1 of 4 stars). 10 submissions from 10 submitters: Uncertain significance (1); Benign (1); Likely benign (7). 1 of the submissions does not count toward it. Last evaluated 2025-10-19.

Conditions:
APC-Associated Polyposis Disorders.
Hereditary cancer-predisposing syndrome. Also called: Neoplastic Syndromes, Hereditary; Hereditary neoplastic syndrome; Tumor predisposition; Hereditary Cancer Syndrome. Identifiers: Orphanet 140162, MedGen C0027672, MeSH D009386, MONDO:0015356.
Familial adenomatous polyposis 1 (FAP1). Also called: POLYPOSIS, ADENOMATOUS INTESTINAL; FAMILIAL ADENOMATOUS POLYPOSIS 1, ATTENUATED. Identifiers: MedGen C2713442, MONDO:0021056, OMIM 175100. Disease mechanism: loss of function.
Classic or attenuated familial adenomatous polyposis. Identifiers: MedGen CN372698, MONDO:0021057.

Allele frequency attached by ClinVar (database versions not stated): TOPMed below 0.00001; gnomAD 0.00001; gnomAD exomes 0.00001; ExAC 0.00002; ESP Exome Variant Server 0.00008.
gnomAD v4.1: 10 of 1,613,714 alleles (0.00062%); highest among the groups gnomAD compares: Admixed American, 0.005%; no homozygotes.

Submissions (10):

Labcorp Genetics (formerly Invitae), Labcorp
Classification: Likely benign for Familial adenomatous polyposis 1. Last evaluated: 2025-10-19. Review status: criteria provided, single submitter. Criteria: Invitae Variant Classification Sherloc (09022015). Collection method: clinical testing. Allele origin: germline.

CeGaT Center for Human Genetics Tuebingen
Classification: Likely benign. Last evaluated: 2025-01-01. Review status: criteria provided, single submitter. Criteria: CeGaT Center For Human Genetics Tuebingen Variant Classification Criteria Version 2. Collection method: clinical testing. Allele origin: germline. Affected: yes. Observed: 1 variant allele.
Comment: APC: BP4, BP7

Myriad Genetics, Inc.
Classification: Benign for Familial adenomatous polyposis 1. Last evaluated: 2024-04-03. Review status: criteria provided, single submitter. Criteria: Myriad Autosomal Dominant, Autosomal Recessive and X-Linked Classification Criteria (2023). Collection method: clinical testing. Allele origin: unknown.
Comment: This variant is considered benign. This variant is a silent/synonymous amino acid change and it is not expected to impact splicing.

All of Us Research Program, National Institutes of Health
Classification: Likely benign for Classic or attenuated familial adenomatous polyposis. Last evaluated: 2023-10-30. Review status: criteria provided, single submitter. Criteria: ACMG Guidelines, 2015. Collection method: clinical testing. Allele origin: germline. Inheritance: Autosomal dominant inheritance. Observed: 1 variant allele, 1 heterozygote.
Comment: This study involves interpretation of variants in research participants for the purpose of population health screening. Participant phenotype was not available at the time of variant classification. Additional details can be found in publication PMID: 35346344, PMCID: PMC8962531

Women's Health and Genetics/Laboratory Corporation of America, LabCorp
Classification: Likely benign. Last evaluated: 2020-06-27. Review status: criteria provided, single submitter. Criteria: LabCorp Variant Classification Summary - May 2015. Collection method: clinical testing. Allele origin: germline.

GeneDx
Classification: Likely benign. Last evaluated: 2019-12-09. Review status: criteria provided, single submitter. Criteria: GeneDx Variant Classification Process June 2021. Collection method: clinical testing. Allele origin: germline. Affected: yes.

Color Diagnostics, LLC DBA Color Health
Classification: Likely benign for Hereditary cancer-predisposing syndrome. Last evaluated: 2018-08-07. Review status: criteria provided, single submitter. Criteria: ACMG Guidelines, 2015. Collection method: clinical testing. Allele origin: germline.

Illumina Laboratory Services, Illumina
Classification: Uncertain significance for APC-Associated Polyposis Disorders. Last evaluated: 2017-04-28. Review status: criteria provided, single submitter. Criteria: ICSL Variant Classification Criteria 13 December 2019. Collection method: clinical testing. Allele origin: germline.

Ambry Genetics
Classification: Likely benign for Hereditary cancer-predisposing syndrome. Last evaluated: 2017-01-06. Review status: criteria provided, single submitter. Criteria: Ambry Variant Classification Scheme 2023. Collection method: clinical testing. Allele origin: germline.

Mayo Clinic Laboratories, Mayo Clinic
Classification: Likely benign. Review status: no assertion criteria provided. Collection method: clinical testing. Allele origin: unknown. Not counted in ClinVar's aggregate classification.